The following is an entry in ClinVar:

NM_024876.4(COQ8B):c.824A>G (p.Gln275Arg)

Gene: COQ8B (coenzyme Q8B; minus strand). Cytogenetic location: 19q13.2.
Variant type: single nucleotide variant.
Coding change: c.824A>G on transcript NM_024876.4 (MANE Select); coding-DNA position 824, A replaced by G.
Protein change: p.Gln275Arg; replaces glutamine 275 with arginine.
Molecular consequence: missense variant.
Genome position (GRCh38, 1-based): chr19:40,702,669, T>C on the plus strand (A>G on the coding strand, the complement: COQ8B is on the minus strand). VCF-style: chr19-40702669-T-C. GRCh37 (hg19) VCF-style: chr19-41208574-T-C.
Other names: c.701A>G, p.Gln234Arg (NM_001142555.3); short protein forms Q234R, Q275R.
Identifiers: ClinVar variation 1911917 (VCV001911917.5), dbSNP rs1357153952, ClinGen allele CA405962059.
Genomic context (GRCh38, chr19:40,702,669, plus strand): 5'-TGGGCACAAGCCGCCTCACGACGGTAGTCACACTCCCAAGCCAGCTCCTGCTGCAAGGCC[T>C]GCAGGCTCTGCTCGGCAAACAGGCCTGTGGGGGAGGTGTGTCAGCCAGGGAAGGGCCCCG-3'
Protein context (NP_079152.3, residues 265-285): PAGLFAEQSL[Gln275Arg]ALQQELAWEC

ClinVar aggregate classification (germline): Uncertain significance (1 of 4 stars; one submission).

Allele frequency attached by ClinVar (database versions not stated): gnomAD exomes below 0.00001; gnomAD 0.00001; TOPMed 0.00001.
gnomAD v4.1: 3 of 1,610,168 alleles (0.00019%); highest among the groups gnomAD compares: African/African-American, 0.004%; no homozygotes.

Submission:

Labcorp Genetics (formerly Invitae), Labcorp
Classification: Uncertain significance. Last evaluated: 2022-08-05. Review status: criteria provided, single submitter. Criteria: Invitae Variant Classification Sherloc (09022015). Collection method: clinical testing. Allele origin: germline.
Comment: In summary, the available evidence is currently insufficient to determine the role of this variant in disease. Therefore, it has been classified as a Variant of Uncertain Significance. Advanced modeling of protein sequence and biophysical properties (such as structural, functional, and spatial information, amino acid conservation, physicochemical variation, residue mobility, and thermodynamic stability) performed at Invitae indicates that this missense variant is not expected to disrupt COQ8B protein function. This variant has not been reported in the literature in individuals affected with COQ8B-related conditions. This variant is present in population databases (no rsID available, gnomAD 0.008%). This sequence change replaces glutamine, which is neutral and polar, with arginine, which is basic and polar, at codon 275 of the COQ8B protein (p.Gln275Arg).